The following is an entry in ClinVar:

NC_000007.13:g.(145814066_146471362)_(146997383_147092700)del

Gene: CNTNAP2 (contactin associated protein 2; plus strand). Cytogenetic location: 7q35.
Variant type: Deletion.
Identifiers: ClinVar variation 4536118 (VCV004536118.1).

ClinVar aggregate classification (germline): Pathogenic (1 of 4 stars; one submission).

Conditions:
Cortical dysplasia-focal epilepsy syndrome (PTHSL1). Also called: Pitt-Hopkins-like syndrome 1. Identifiers: Orphanet 163681, Orphanet 221150, MedGen C2750246, MONDO:0012400, OMIM 610042.

Submission:

Women's Health and Genetics/Laboratory Corporation of America, LabCorp
Classification: Pathogenic for Cortical dysplasia-focal epilepsy syndrome. Last evaluated: 2025-09-19. Review status: criteria provided, single submitter. Criteria: LabCorp Variant Classification Summary - May 2015. Collection method: clinical testing. Allele origin: germline.
Comment: Variant summary: The variant involves the deletion of exons 2-9 in the CNTNAP2 gene. A presumed nomenclature of c.(97+1_98-1)_(1498+1_1499-1)del has been designated for the purposes of this classification. This Copy Number Variant (CNV) is predicted to result in an in-frame deletion within this gene. Loss-of-function variants in this gene are known to be pathogenic. The variant was absent in 21694 control chromosomes. c.(97+1_98-1)_(1498+1_1499-1)del has been observed in individuals affected with Pitt-Hopkins-Like Syndrome 1 (e.g. Zweier_2009). These data indicate that the variant is likely to be associated with disease. To our knowledge, no experimental evidence demonstrating an impact on protein function has been reported. The following publication has been ascertained in the context of this evaluation (PMID: 19896112). No submitters have cited clinical-significance assessments for this variant to ClinVar. Based on the evidence outlined above, the variant was classified as pathogenic.

Literature cited by the submitters: PubMed 19896112.